The following is an entry in ClinVar:

NM_000238.4(KCNH2):c.87C>T (p.Phe29=)

Gene: KCNH2 (potassium voltage-gated channel subfamily H member 2; minus strand). Cytogenetic location: 7q36.1.
Variant type: single nucleotide variant.
Coding change: c.87C>T on transcript NM_000238.4 (MANE Select); coding-DNA position 87, C replaced by T.
Protein change: p.Phe29=; no amino-acid change (phenylalanine 29 retained).
Molecular consequence: synonymous variant. On other transcripts: 5 prime UTR variant (1), non-coding transcript variant (1).
Genome position (GRCh38, 1-based): chr7:150,974,931, G>A on the plus strand (C>T on the coding strand, the complement: KCNH2 is on the minus strand). VCF-style: chr7-150974931-G-A. GRCh37 (hg19) VCF-style: chr7-150672019-G-A.
Other names: c.-91C>T (NM_001406755.1); c.87C>T, p.Phe29= (NM_172056.3).
Identifiers: ClinVar variation 920237 (VCV000920237.14), dbSNP rs199472830, ClinGen allele CA458872493.
Genomic context (GRCh38, chr7:150,974,931, plus strand): 5'-GCAGAAGCCGTCGTTGCAGTAGATGACGGCGCAGTTCTCCACCCGAGCGTTGGCGATGAT[G>A]AACTTACGGCCTAGGGGGGCGGGGAGGAGAGTGCGCGTGAGCGGGGACCCCAGCCTCCGG-3'
Protein context (NP_000229.1, residues 19-39): IRKFEGQSRK[Phe29=]IIANARVENC

ClinVar aggregate classification (germline): Likely benign. Review status: criteria provided, multiple submitters, no conflicts (2 of 4 stars). 3 submissions from 3 submitters: Likely benign (3). Last evaluated 2023-06-26.

Conditions:
Cardiac arrhythmia. Also called: Arrhythmia; Cardiac rhythm disease. Identifiers: MedGen C0003811, MONDO:0007263, HP:0011675.
Long QT syndrome (LQTS). Identifiers: MedGen C0023976, MeSH D008133, MONDO:0002442. Disease mechanism: loss of function. Inheritance: Various modes of inheritance.

Submissions (3):

All of Us Research Program, National Institutes of Health
Classification: Likely benign for Long QT syndrome. Last evaluated: 2023-06-26. Review status: criteria provided, single submitter. Criteria: ACMG Guidelines, 2015. Collection method: clinical testing. Allele origin: germline. Inheritance: Autosomal dominant inheritance. Observed: 1 variant allele, 1 heterozygote.
Comment: This study involves interpretation of variants in research participants for the purpose of population health screening. Participant phenotype was not available at the time of variant classification. Additional details can be found in publication PMID: 35346344, PMCID: PMC8962531

Labcorp Genetics (formerly Invitae), Labcorp
Classification: Likely benign for Long QT syndrome. Last evaluated: 2021-08-13. Review status: criteria provided, single submitter. Criteria: Invitae Variant Classification Sherloc (09022015). Collection method: clinical testing. Allele origin: germline.

Color Diagnostics, LLC DBA Color Health
Classification: Likely benign for Arrhythmia. Last evaluated: 2018-11-21. Review status: criteria provided, single submitter. Criteria: ACMG Guidelines, 2015. Collection method: clinical testing. Allele origin: germline.